The following is an entry in ClinVar:

ClinVar aggregate classification (germline): Pathogenic/Likely pathogenic. Review status: criteria provided, multiple submitters, no conflicts (2 of 4 stars). 2 submissions from 2 submitters: Pathogenic (1); Likely pathogenic (1). Last evaluated 2023-09-01.

Conditions:
Ataxia-telangiectasia syndrome (AT). Also called: Ataxia-telangiectasia; LOUIS-BAR SYNDROME; Ataxia-telangiectasia, complementation group D; AT, COMPLEMENTATION GROUP C; ATAXIA-TELANGIECTASIA, COMPLEMENTATION GROUP A; ATAXIA-TELANGIECTASIA, FRESNO VARIANT. Identifiers: Orphanet 100, MedGen C0004135, MONDO:0008840, OMIM 208900.
Hereditary cancer-predisposing syndrome. Also called: Tumor predisposition; Neoplastic Syndromes, Hereditary; Hereditary Cancer Syndrome; Hereditary neoplastic syndrome. Identifiers: Orphanet 140162, MedGen C0027672, MeSH D009386, MONDO:0015356.

Submissions (2):

Color Diagnostics, LLC DBA Color Health
Classification: Likely pathogenic for Hereditary cancer-predisposing syndrome. Last evaluated: 2023-09-01. Review status: criteria provided, single submitter. Criteria: ACMG Guidelines, 2015. Collection method: clinical testing. Allele origin: germline.
Comment: This variant causes a A to T nucleotide substitution at the -2 position of intron 56 of the ATM gene. Splice site prediction tools predict that this variant may have a significant impact on RNA splicing. This variant is predicted to result in an in-frame deletion within the ATM kinase domain. To our knowledge, functional studies have not been reported for this variant. This variant has been observed in individuals affected with autosomal recessive ataxia telangiectasia (PMID: 23807571), indicating that this variant contributes to disease. This variant has not been identified in the general population by the Genome Aggregation Database (gnomAD). Loss of ATM function is a known mechanism of disease. Based on the available evidence, this variant is classified as Likely Pathogenic.

Labcorp Genetics (formerly Invitae), Labcorp
Classification: Pathogenic for Ataxia-telangiectasia syndrome. Last evaluated: 2021-08-02. Review status: criteria provided, single submitter. Criteria: Invitae Variant Classification Sherloc (09022015). Collection method: clinical testing. Allele origin: germline.
Comment: For these reasons, this variant has been classified as Pathogenic. Algorithms developed to predict the effect of sequence changes on RNA splicing suggest that this variant may disrupt the consensus splice site. Disruption of this splice site has been observed in individual(s) with ataxia-telangiectasia (A-T) (PMID: 23807571). In at least one individual the data is consistent with the variant being in trans (on the opposite chromosome) from a pathogenic variant. This sequence change affects an acceptor splice site in intron 56 of the ATM gene. It is expected to disrupt RNA splicing. Variants that disrupt the donor or acceptor splice site typically lead to a loss of protein function (PMID: 16199547), and loss-of-function variants in ATM are known to be pathogenic (PMID: 23807571, 25614872). This variant is not present in population databases (ExAC no frequency).

Literature cited by the submitters: PubMed 23807571 (cited by Color Diagnostics, LLC DBA Color Health and Labcorp Genetics (formerly Invitae), Labcorp); PubMed 16199547 (cited by Labcorp Genetics (formerly Invitae), Labcorp); PubMed 25614872 (cited by Labcorp Genetics (formerly Invitae), Labcorp).

NM_000051.4(ATM):c.8269-2A>T

Genes: ATM (ATM serine/threonine kinase; plus strand), C11orf65 (chromosome 11 open reading frame 65; minus strand). Cytogenetic location: 11q22.3.
Variant type: single nucleotide variant.
Coding change: c.8269-2A>T on transcript NM_000051.4 (MANE Select); the canonical splice acceptor site of the intron before coding-DNA position 8269, A replaced by T.
Molecular consequence: splice acceptor variant. On other transcripts: intron variant (2).
Genome position (GRCh38, 1-based): chr11:108,343,220, A>T. VCF-style: chr11-108343220-A-T. GRCh37 (hg19) VCF-style: chr11-108213947-A-T.
Other names: c.8269-2A>T (NM_001351834.2); c.641-34149T>A (NM_001330368.2); c.695-7928T>A (NM_001351110.2).
Identifiers: ClinVar variation 1454796 (VCV001454796.6), dbSNP rs2136939497, ClinGen allele CA382516281.